The following is an entry in ClinVar:

ClinVar aggregate classification (germline): Pathogenic (1 of 4 stars; one submission).

Conditions:
Fabry disease. Also called: ALPHA-GALACTOSIDASE A DEFICIENCY; ANDERSON-FABRY DISEASE; CERAMIDE TRIHEXOSIDASE DEFICIENCY; GLA DEFICIENCY; HEREDITARY DYSTOPIC LIPIDOSIS; Angiokeratoma corporis diffusum. Identifiers: Orphanet 324, MedGen C0002986, MONDO:0010526, OMIM 301500, HP:0001071. Disease mechanism: Fabry disease is due to inactivating mutations in the X-linked GLA gene resulting in deficiency of the enzyme Alpha Galactosidase-A., loss of function.

Submission:

Genomenon, Inc
Classification: Pathogenic for Fabry disease. Last evaluated: 2026-09-08. Review status: criteria provided, single submitter. Criteria: Genomenon Sequence Variant Interpretation Standards - Updated. Collection method: curation. Allele origin: germline. Affected: yes.
Comment: GLA p.Met208ValfsTer23 (c.618_619del) is a frameshift variant that is predicted to introduce a premature termination codon and result in a truncated or absent protein product. This variant has been observed in at least one proband with clinical features consistent with Fabry disease (PMID:31718986;12920095;33915609). Functional or patient cell studies have been reported (PMID:12920095;33915609). It is absent or not present at a significant frequency in gnomAD. In conclusion, we classify GLA p.Met208ValfsTer23 (c.618_619del) as a pathogenic variant.

Literature cited by the submitters: PubMed 31718986; PubMed 12920095; PubMed 33915609.

NM_000169.3(GLA):c.618_619del (p.Met208fs)

Genes: GLA (galactosidase alpha; minus strand), RPL36A-HNRNPH2 (RPL36A-HNRNPH2 readthrough; plus strand). Cytogenetic location: Xq22.1.
Variant type: Deletion.
Coding change: c.618_619del on transcript NM_000169.3 (MANE Select); coding-DNA positions 618 to 619, 2 bases deleted (TT; older notation c.618_619delTT).
Protein change: p.Met208fs; shifts the reading frame from methionine 208.
Molecular consequence: frameshift variant. On other transcripts: non-coding transcript variant (2), intron variant (2).
Genome position (GRCh38, 1-based): chrX:101,400,686-101,400,687, AA deleted on the plus strand (TT on the coding strand, the reverse complement: GLA is on the minus strand); deleting any 2 consecutive bases within chrX:101,400,686-101,400,688 gives the same sequence; the c. name uses the placement nearest the transcript's 3' end. VCF-style (leftmost placement, unchanged base first): chrX-101400685-TAA-T. GRCh37 (hg19) VCF-style: chrX-100655673-TAA-T.
Other names: c.741_742del, p.Met249fs (NM_001406747.1); c.618_619del, p.Met208fs (NM_001406748.1); c.300+5230_300+5231del (NM_001199973.2); c.177+8865_177+8866del (NM_001199974.2); short protein forms M208fs, M249fs.
Identifiers: ClinVar variation 4086986 (VCV004086986.2), dbSNP rs2147475916.